The following is an entry in ClinVar:

ClinVar aggregate classification (germline): Likely pathogenic. Review status: criteria provided, multiple submitters, no conflicts (2 of 4 stars). 4 submissions from 4 submitters: Likely pathogenic (3). 1 of the submissions does not count toward it. Last evaluated 2025-11-18.

Conditions:
Hereditary cancer-predisposing syndrome. Also called: Hereditary neoplastic syndrome; Neoplastic Syndromes, Hereditary; Tumor predisposition; Hereditary Cancer Syndrome. Identifiers: Orphanet 140162, MedGen C0027672, MeSH D009386, MONDO:0015356.
Ataxia-telangiectasia syndrome (AT). Also called: AT, COMPLEMENTATION GROUP C; ATAXIA-TELANGIECTASIA, COMPLEMENTATION GROUP A; ATAXIA-TELANGIECTASIA, FRESNO VARIANT; Cerebello-oculocutaneous telangiectasia; Immunodeficiency with ataxia telangiectasia; Ataxia-telangiectasia, complementation group D. Identifiers: Orphanet 100, MedGen C0004135, MONDO:0008840, OMIM 208900.

gnomAD v4.1: 2 of 1,611,010 alleles (0.00012%); highest among the groups gnomAD compares: Non-Finnish European, 0.00017%; no homozygotes.

Submissions (4):

Ambry Genetics
Classification: Likely pathogenic for Hereditary cancer-predisposing syndrome. Last evaluated: 2025-11-18. Review status: criteria provided, single submitter. Criteria: Ambry Variant Classification Scheme 2023. Collection method: clinical testing. Allele origin: germline.
Comment: The c.663-2A>G intronic variant results from an A to G substitution two nucleotides upstream from coding exon 6 in the ATM gene. This nucleotide position is highly conserved in available vertebrate species. In silico splice site analysis predicts that this alteration will weaken the native splice acceptor site. RNA studies have demonstrated that this alteration results in abnormal splicing in the set of samples tested (Ambry internal data). Based on the majority of available evidence to date, this variant is likely to be pathogenic.

Labcorp Genetics (formerly Invitae), Labcorp
Classification: Likely pathogenic for Ataxia-telangiectasia syndrome. Last evaluated: 2024-02-13. Review status: criteria provided, single submitter. Criteria: Invitae Variant Classification Sherloc (09022015). Collection method: clinical testing. Allele origin: germline.
Comment: This sequence change affects an acceptor splice site in intron 6 of the ATM gene. It is expected to disrupt RNA splicing. Variants that disrupt the donor or acceptor splice site typically lead to a loss of protein function (PMID: 16199547), and loss-of-function variants in ATM are known to be pathogenic (PMID: 23807571, 25614872). This variant is not present in population databases (gnomAD no frequency). This variant has not been reported in the literature in individuals affected with ATM-related conditions. ClinVar contains an entry for this variant (Variation ID: 280786). Algorithms developed to predict the effect of sequence changes on RNA splicing suggest that this variant may disrupt the consensus splice site. In summary, the currently available evidence indicates that the variant is pathogenic, but additional data are needed to prove that conclusively. Therefore, this variant has been classified as Likely Pathogenic.

GeneDx
Classification: Likely pathogenic. Last evaluated: 2016-08-15. Review status: criteria provided, single submitter. Criteria: GeneDx Variant Classification (06012015). Collection method: clinical testing. Allele origin: germline. Affected: yes.
Comment: This variant is denoted ATM c.663-2A>G or IVS6-2A>G and consists of an A>G nucleotide substitution at the -2 position of intron 6 of the ATM gene. This variant destroys a canonical splice acceptor site and is predicted to cause abnormal gene splicing, leading to either an abnormal message that is subject to nonsense-mediated mRNA decay or to an abnormal protein product. This variant has not, to our knowledge, been published in the literature. Based on the currently available information, we consider ATM c.663-2A>G to be a likely pathogenic variant.

Counsyl
Classification: Likely pathogenic for Ataxia-telangiectasia syndrome. Last evaluated: 2017-10-06. Review status: no assertion criteria provided. Collection method: clinical testing. Allele origin: unknown. Not counted in ClinVar's aggregate classification.

Literature cited by the submitters: PubMed 16199547 (cited by Labcorp Genetics (formerly Invitae), Labcorp); PubMed 23807571 (cited by Labcorp Genetics (formerly Invitae), Labcorp); PubMed 25614872 (cited by Labcorp Genetics (formerly Invitae), Labcorp).

NM_000051.4(ATM):c.663-2A>G

Gene: ATM (ATM serine/threonine kinase; plus strand). Cytogenetic location: 11q22.3.
Variant type: single nucleotide variant.
Coding change: c.663-2A>G on transcript NM_000051.4 (MANE Select); the canonical splice acceptor site of the intron before coding-DNA position 663, A replaced by G.
Molecular consequence: splice acceptor variant.
Genome position (GRCh38, 1-based): chr11:108,244,786, A>G. VCF-style: chr11-108244786-A-G. GRCh37 (hg19) VCF-style: chr11-108115513-A-G.
Other names: c.663-2A>G (NM_001351834.2).
Identifiers: ClinVar variation 280786 (VCV000280786.13), dbSNP rs886041931, ClinGen allele CA10603087.
Genomic context (GRCh38, chr11:108,244,786, plus strand): 5'-GTTCAGTTTGTACAGTTTGTTCCCCCTGTTATACCCAGTTGAGCTTGTTTGTTTCTTCAC[A>G]GACAAGAAAAGAGCTCTTCAGGTCTAAATCATATCTTAGCAGCTCTTACTATCTTCCTCA-3'